The following is an entry in ClinVar:

NM_001037.5(SCN1B):c.448+49G>C

Gene: SCN1B (sodium voltage-gated channel beta subunit 1; plus strand). Cytogenetic location: 19q13.11.
Variant type: single nucleotide variant.
Coding change: c.448+49G>C on transcript NM_001037.5 (MANE Select); 49 bases into the intron after coding-DNA position 448, G replaced by C.
Molecular consequence: intron variant. On other transcripts: missense variant (1).
Genome position (GRCh38, 1-based): chr19:35,033,788, G>C. VCF-style: chr19-35033788-G-C. GRCh37 (hg19) VCF-style: chr19-35524692-G-C.
Other names: c.497G>C, p.Arg166Thr (NM_199037.5); c.349+49G>C (NM_001321605.2); short protein forms R166T.
Identifiers: ClinVar variation 4810180 (VCV004810180.1).

ClinVar aggregate classification (germline): Uncertain significance (1 of 4 stars; one submission).

Conditions:
Brugada syndrome 5 (BRGDA5). Identifiers: Orphanet 130, Orphanet 871, MedGen C2748541, MONDO:0013015, OMIM 612838.

gnomAD v4.1: 3 of 1,613,562 alleles (0.00019%); highest among the groups gnomAD compares: Admixed American, 0.0017%; no homozygotes.

Submission:

Labcorp Genetics (formerly Invitae), Labcorp
Classification: Uncertain significance for Brugada syndrome 5. Last evaluated: 2025-08-06. Review status: criteria provided, single submitter. Criteria: Invitae Variant Classification Sherloc (09022015). Collection method: clinical testing. Allele origin: germline.
Comment: This sequence change replaces arginine, which is basic and polar, with threonine, which is neutral and polar, at codon 166 of the SCN1B protein (p.Arg166Thr). This variant is present in population databases (no rsID available, gnomAD 0.1%). This variant has not been reported in the literature in individuals affected with SCN1B-related conditions. An algorithm developed to predict the effect of missense changes on protein structure and function (PolyPhen-2) suggests that this variant is likely to be disruptive. In summary, the available evidence is currently insufficient to determine the role of this variant in disease. Therefore, it has been classified as a Variant of Uncertain Significance.